The following is an entry in ClinVar:

ClinVar aggregate classification (germline): Benign. Review status: criteria provided, single submitter (1 of 4 stars). 2 submissions from 2 submitters: Benign (1). 1 of the submissions does not count toward it. Last evaluated 2025-09-29.

Conditions:
CCDC141-related disorder. Also called: CCDC141-related condition.

Allele frequency attached by ClinVar (database versions not stated): ExAC 0.00006; gnomAD exomes 0.00021 and 0.00044; 1000 Genomes Project 0.00080; 1000 Genomes Project 30x 0.00109; gnomAD 0.00158 and 0.00166; TOPMed 0.00165.
gnomAD v4.1: 526 of 1,550,054 alleles (0.034%); highest among the groups gnomAD compares: African/African-American, 0.58%; no homozygotes.

Submissions (2):

Labcorp Genetics (formerly Invitae), Labcorp
Classification: Benign. Last evaluated: 2025-09-29. Review status: criteria provided, single submitter. Criteria: Invitae Variant Classification Sherloc (09022015). Collection method: clinical testing. Allele origin: germline.

PreventionGenetics, part of Exact Sciences
Classification: Benign for CCDC141-related condition. Last evaluated: 2019-08-09. Review status: no assertion criteria provided. Collection method: clinical testing. Allele origin: germline. Not counted in ClinVar's aggregate classification.
Comment: This variant is classified as benign based on ACMG/AMP sequence variant interpretation guidelines (Richards et al. 2015 PMID: 25741868, with internal and published modifications).

NM_173648.4(CCDC141):c.1402C>T (p.Arg468Trp)

Gene: CCDC141 (coiled-coil domain containing 141; minus strand). Cytogenetic location: 2q31.2.
Variant type: single nucleotide variant.
Coding change: c.1402C>T on transcript NM_173648.4 (MANE Select); coding-DNA position 1402, C replaced by T.
Protein change: p.Arg468Trp; replaces arginine 468 with tryptophan.
Molecular consequence: missense variant.
Genome position (GRCh38, 1-based): chr2:178,888,532, G>A on the plus strand (C>T on the coding strand, the complement: CCDC141 is on the minus strand). VCF-style: chr2-178888532-G-A. GRCh37 (hg19) VCF-style: chr2-179753259-G-A.
Other names: c.1402C>T, p.Arg468Trp (NM_001316745.2); short protein forms R468W.
Identifiers: ClinVar variation 736232 (VCV000736232.9), dbSNP rs550015011, ClinGen allele CA2007258.